The following is an entry in ClinVar:

NM_006086.4(TUBB3):c.647A>G (p.Lys216Arg)

Gene: TUBB3 (tubulin beta 3 class III; plus strand). Cytogenetic location: 16q24.3.
Variant type: single nucleotide variant.
Coding change: c.647A>G on transcript NM_006086.4 (MANE Select); coding-DNA position 647, A replaced by G.
Protein change: p.Lys216Arg; replaces lysine 216 with arginine.
Molecular consequence: missense variant.
Genome position (GRCh38, 1-based): chr16:89,935,098, A>G. VCF-style: chr16-89935098-A-G. GRCh37 (hg19) VCF-style: chr16-90001506-A-G.
Other names: c.431A>G, p.Lys144Arg (NM_001197181.2); short protein forms K144R, K216R.
Identifiers: ClinVar variation 2631577 (VCV002631577.3), dbSNP rs2544627512, ClinGen allele CA397475036.

ClinVar aggregate classification (germline): Uncertain significance (0 of 4 stars; one submission).

Conditions:
TUBB3-related disorder. Also called: TUBB3-related condition; TUBB3-related disorders.

Submission:

PreventionGenetics, part of Exact Sciences
Classification: Uncertain significance for TUBB3-related condition. Last evaluated: 2024-01-16. Review status: no assertion criteria provided. Collection method: clinical testing. Allele origin: germline.
Comment: The TUBB3 c.647A>G variant is predicted to result in the amino acid substitution p.Lys216Arg. To our knowledge, this variant has not been reported in the literature or in a large population database, indicating this variant is rare. At this time, the clinical significance of this variant is uncertain due to the absence of conclusive functional and genetic evidence.